The following is an entry in ClinVar:

NM_001367624.2(ZNF469):c.3796G>C (p.Glu1266Gln)

Gene: ZNF469 (zinc finger protein 469; plus strand). Cytogenetic location: 16q24.2.
Variant type: single nucleotide variant.
Coding change: c.3796G>C on transcript NM_001367624.2 (MANE Select); coding-DNA position 3796, G replaced by C.
Protein change: p.Glu1266Gln; replaces glutamic acid 1266 with glutamine.
Molecular consequence: missense variant.
Genome position (GRCh38, 1-based): chr16:88,431,266, G>C. VCF-style: chr16-88431266-G-C. GRCh37 (hg19) VCF-style: chr16-88497674-G-C.
Other names: short protein forms E1266Q.
Identifiers: ClinVar variation 3700952 (VCV003700952.2).

ClinVar aggregate classification (germline): Uncertain significance (1 of 4 stars; one submission).

Submission:

Labcorp Genetics (formerly Invitae), Labcorp
Classification: Uncertain significance. Last evaluated: 2024-08-07. Review status: criteria provided, single submitter. Criteria: Invitae Variant Classification Sherloc (09022015). Collection method: clinical testing. Allele origin: germline.
Comment: This sequence change replaces glutamic acid, which is acidic and polar, with glutamine, which is neutral and polar, at codon 1238 of the ZNF469 protein (p.Glu1238Gln). This variant is not present in population databases (gnomAD no frequency). This variant has not been reported in the literature in individuals affected with ZNF469-related conditions. An algorithm developed to predict the effect of missense changes on protein structure and function (PolyPhen-2) suggests that this variant is likely to be disruptive. In summary, the available evidence is currently insufficient to determine the role of this variant in disease. Therefore, it has been classified as a Variant of Uncertain Significance.